The following is an entry in ClinVar:

NM_003476.5(CSRP3):c.565C>A (p.Gln189Lys)

Gene: CSRP3 (cysteine and glycine rich protein 3; minus strand). Cytogenetic location: 11p15.1.
Variant type: single nucleotide variant.
Coding change: c.565C>A on transcript NM_003476.5 (MANE Select); coding-DNA position 565, C replaced by A.
Protein change: p.Gln189Lys; replaces glutamine 189 with lysine.
Molecular consequence: missense variant.
Genome position (GRCh38, 1-based): chr11:19,182,690, G>T on the plus strand (C>A on the coding strand, the complement: CSRP3 is on the minus strand). VCF-style: chr11-19182690-G-T. GRCh37 (hg19) VCF-style: chr11-19204237-G-T.
Other names: c.396C>A, p.Asn132Lys (NM_001369404.1); short protein forms Q189K, N132K.
Identifiers: ClinVar variation 4613945 (VCV004613945.1).

ClinVar aggregate classification (germline): Uncertain significance (1 of 4 stars; one submission).

Conditions:
Cardiovascular phenotype. Identifiers: MedGen CN230736.

Submission:

Ambry Genetics
Classification: Uncertain significance for Cardiovascular phenotype. Last evaluated: 2025-11-24. Review status: criteria provided, single submitter. Criteria: Ambry Variant Classification Scheme 2023. Collection method: clinical testing. Allele origin: germline.
Comment: The p.Q189K variant (also known as c.565C>A), located in coding exon 5 of the CSRP3 gene, results from a C to A substitution at nucleotide position 565. The glutamine at codon 189 is replaced by lysine, an amino acid with similar properties. This amino acid position is conserved. In addition, the in silico prediction for this alteration is inconclusive. Based on the available evidence, the clinical significance of this variant remains unclear.